The following is an entry in ClinVar:

NM_004447.6(EPS8):c.670G>A (p.Val224Ile)

Gene: EPS8 (EGFR pathway substrate 8, signaling adaptor; minus strand). Cytogenetic location: 12p12.3.
Variant type: single nucleotide variant.
Coding change: c.670G>A on transcript NM_004447.6 (MANE Select); coding-DNA position 670, G replaced by A.
Protein change: p.Val224Ile; replaces valine 224 with isoleucine.
Molecular consequence: missense variant.
Genome position (GRCh38, 1-based): chr12:15,665,822, C>T on the plus strand (G>A on the coding strand, the complement: EPS8 is on the minus strand). VCF-style: chr12-15665822-C-T. GRCh37 (hg19) VCF-style: chr12-15818756-C-T.
Other names: short protein forms V224I.
Identifiers: ClinVar variation 666692 (VCV000666692.11), dbSNP rs758506896, ClinGen allele CA6467796.

ClinVar aggregate classification (germline): Conflicting classifications of pathogenicity. Review status: criteria provided, conflicting classifications (1 of 4 stars). 3 submissions from 3 submitters: Uncertain significance (2); Likely benign (1). Last evaluated 2025-05-19.

Allele frequency attached by ClinVar (database versions not stated): gnomAD exomes 0.00007 and 0.00009; TOPMed 0.00008; gnomAD 0.00009 and 0.00010; ExAC 0.00011.
gnomAD v4.1: 123 of 1,613,394 alleles (0.0076%); highest among the groups gnomAD compares: Middle Eastern, 0.033%; no homozygotes.

Submissions (3):

GeneDx
Classification: Uncertain significance. Last evaluated: 2025-05-19. Review status: criteria provided, single submitter. Criteria: GeneDx Variant Classification Process June 2021. Collection method: clinical testing. Allele origin: germline. Affected: yes.
Comment: In silico analysis suggests that this missense variant does not alter protein structure/function; Has not been previously published as pathogenic or benign to our knowledge

Labcorp Genetics (formerly Invitae), Labcorp
Classification: Uncertain significance. Last evaluated: 2022-03-15. Review status: criteria provided, single submitter. Criteria: Invitae Variant Classification Sherloc (09022015). Collection method: clinical testing. Allele origin: germline.
Comment: This sequence change replaces valine, which is neutral and non-polar, with isoleucine, which is neutral and non-polar, at codon 224 of the EPS8 protein (p.Val224Ile). This variant is present in population databases (rs758506896, gnomAD 0.03%). This variant has not been reported in the literature in individuals affected with EPS8-related conditions. ClinVar contains an entry for this variant (Variation ID: 666692). Algorithms developed to predict the effect of missense changes on protein structure and function output the following: SIFT: "Tolerated"; PolyPhen-2: "Benign"; Align-GVGD: "Class C0". The isoleucine amino acid residue is found in multiple mammalian species, which suggests that this missense change does not adversely affect protein function. In summary, the available evidence is currently insufficient to determine the role of this variant in disease. Therefore, it has been classified as a Variant of Uncertain Significance.

Laboratory for Molecular Medicine, Mass General Brigham Personalized Medicine
Classification: Likely benign. Last evaluated: 2018-12-13. Review status: criteria provided, single submitter. Criteria: LMM Criteria. Collection method: clinical testing. Allele origin: germline. Observed: 1 variant allele.
Comment: The p.Val224Ile variant in EPS8 is classified as likely benign because the valin e at position 224 is not conserved through species, with 3 mammals (squirrel mon key, oppossum, wallaby) having an isoleucine. This variant has been identified i n 0.028% (10/35226) of Latino chromosomes by gnomAD. ACMG/AMP criteria applied: BP4_Strong.